The following is an entry in ClinVar:

ClinVar aggregate classification (germline): Uncertain significance. Review status: criteria provided, multiple submitters, no conflicts (2 of 4 stars). 2 submissions from 2 submitters: Uncertain significance (2). Last evaluated 2025-03-04.

Conditions:
Ataxia-telangiectasia syndrome (AT). Also called: Ataxia-telangiectasia, complementation group D; AT, COMPLEMENTATION GROUP C; ATAXIA-TELANGIECTASIA, COMPLEMENTATION GROUP A; ATAXIA-TELANGIECTASIA, FRESNO VARIANT; Ataxia-telangiectasia; Ataxia telangiectasia (A-T). Identifiers: Orphanet 100, MedGen C0004135, MONDO:0008840, OMIM 208900.

Submissions (2):

Center for Genomic Medicine, Rigshospitalet, Copenhagen University Hospital
Classification: Uncertain significance. Last evaluated: 2025-03-04. Review status: criteria provided, single submitter. Criteria: ACMG Guidelines, 2015. Collection method: clinical testing. Allele origin: germline.

Labcorp Genetics (formerly Invitae), Labcorp
Classification: Uncertain significance for Ataxia-telangiectasia syndrome. Last evaluated: 2022-08-16. Review status: criteria provided, single submitter. Criteria: Invitae Variant Classification Sherloc (09022015). Collection method: clinical testing. Allele origin: germline.
Comment: This variant has not been reported in the literature in individuals affected with ATM-related conditions. In summary, the available evidence is currently insufficient to determine the role of this variant in disease. Therefore, it has been classified as a Variant of Uncertain Significance. Variants that disrupt the consensus splice site are a relatively common cause of aberrant splicing (PMID: 17576681, 9536098). Algorithms developed to predict the effect of sequence changes on RNA splicing suggest that this variant may disrupt the consensus splice site. ClinVar contains an entry for this variant (Variation ID: 965459). This variant is not present in population databases (gnomAD no frequency). This sequence change falls in intron 40 of the ATM gene. It does not directly change the encoded amino acid sequence of the ATM protein. It affects a nucleotide within the consensus splice site.

Literature cited by the submitters: PubMed 17576681 (cited by Labcorp Genetics (formerly Invitae), Labcorp); PubMed 9536098 (cited by Labcorp Genetics (formerly Invitae), Labcorp).

NM_000051.4(ATM):c.6007-3C>G

Genes: ATM (ATM serine/threonine kinase; plus strand), C11orf65 (chromosome 11 open reading frame 65; minus strand). Cytogenetic location: 11q22.3.
Variant type: single nucleotide variant.
Coding change: c.6007-3C>G on transcript NM_000051.4 (MANE Select); 3 bases into the intron before coding-DNA position 6007, C replaced by G.
Molecular consequence: intron variant.
Genome position (GRCh38, 1-based): chr11:108,315,820, C>G. VCF-style: chr11-108315820-C-G. GRCh37 (hg19) VCF-style: chr11-108186547-C-G.
Other names: c.6007-3C>G (NM_001351834.2); c.641-6749G>C (NM_001330368.2); c.*39-6749G>C (NM_001351110.2).
Identifiers: ClinVar variation 965459 (VCV000965459.12), dbSNP rs2084583739, ClinGen allele CA1139662239.